The following is an entry in ClinVar:

ClinVar aggregate classification (germline): Uncertain significance (1 of 4 stars; one submission).

Conditions:
Muscular dystrophy-dystroglycanopathy (congenital with brain and eye anomalies), type A9. Also called: WALKER-WARBURG SYNDROME OR MUSCLE-EYE BRAIN DISEASE, DAG1-RELATED; Muscular dystrophy-dystroglycanopathy (congenital with brain and eye anomalies), type a, 9. Identifiers: Orphanet 370997, Orphanet 899, MedGen C4225291, MONDO:0014683, OMIM 616538.
Autosomal recessive limb-girdle muscular dystrophy type 2P. Also called: MUSCULAR DYSTROPHY-DYSTROGLYCANOPATHY, LIMB-GIRDLE, DAG1-RELATED; MUSCULAR DYSTROPHY, LIMB-GIRDLE, TYPE 2P; Limb-Girdle Muscular Dystrophy Type 9C. Identifiers: Orphanet 280333, MedGen C4511963, MONDO:0013440, OMIM 613818.

Submission:

Labcorp Genetics (formerly Invitae), Labcorp
Classification: Uncertain significance for Autosomal recessive limb-girdle muscular dystrophy type 2P; Muscular dystrophy-dystroglycanopathy (congenital with brain and eye anomalies), type A9. Last evaluated: 2023-10-03. Review status: criteria provided, single submitter. Criteria: Invitae Variant Classification Sherloc (09022015). Collection method: clinical testing. Allele origin: germline.
Comment: This sequence change replaces valine, which is neutral and non-polar, with leucine, which is neutral and non-polar, at codon 613 of the DAG1 protein (p.Val613Leu). This variant is not present in population databases (gnomAD no frequency). This variant has not been reported in the literature in individuals affected with DAG1-related conditions. ClinVar contains an entry for this variant (Variation ID: 1934653). Advanced modeling of protein sequence and biophysical properties (such as structural, functional, and spatial information, amino acid conservation, physicochemical variation, residue mobility, and thermodynamic stability) performed at Invitae indicates that this missense variant is not expected to disrupt DAG1 protein function. In summary, the available evidence is currently insufficient to determine the role of this variant in disease. Therefore, it has been classified as a Variant of Uncertain Significance.

NM_004393.6(DAG1):c.1837G>T (p.Val613Leu)

Gene: DAG1 (dystroglycan 1; plus strand). Cytogenetic location: 3p21.31.
Variant type: single nucleotide variant.
Coding change: c.1837G>T on transcript NM_004393.6 (MANE Select); coding-DNA position 1837, G replaced by T.
Protein change: p.Val613Leu; replaces valine 613 with leucine.
Molecular consequence: missense variant.
Genome position (GRCh38, 1-based): chr3:49,532,348, G>T. VCF-style: chr3-49532348-G-T. GRCh37 (hg19) VCF-style: chr3-49569781-G-T.
Other names: c.1837G>T, p.Val613Leu (NM_001165928.4, NM_001177634.3, NM_001177635.3 and 9 more transcripts); short protein forms V613L.
Identifiers: ClinVar variation 1934653 (VCV001934653.5), dbSNP rs2472642692, ClinGen allele CA352796249.
Genomic context (GRCh38, chr3:49,532,348, plus strand): 5'-ATCCACGTCCACAGGCGCCCCCAAGGGGATAGGGCTCCTGCAAGGTTCAAGGCCAAGTTT[G>T]TGGGTGACCCGGCACTGGTGTTGAATGACATCCACAAGAAGATTGCCTTGGTAAAGAAAC-3'
Protein context (NP_004384.5, residues 603-623): RAPARFKAKF[Val613Leu]GDPALVLNDI